The following is an entry in ClinVar:

NM_020982.4(CLDN9):c.100G>A (p.Ala34Thr)

Gene: CLDN9 (claudin 9; plus strand). Cytogenetic location: 16p13.3.
Variant type: single nucleotide variant.
Coding change: c.100G>A on transcript NM_020982.4 (MANE Select); coding-DNA position 100, G replaced by A.
Protein change: p.Ala34Thr; replaces alanine 34 with threonine.
Molecular consequence: missense variant.
Genome position (GRCh38, 1-based): chr16:3,013,462, G>A. VCF-style: chr16-3013462-G-A. GRCh37 (hg19) VCF-style: chr16-3063463-G-A.
Other names: short protein forms A34T.
Identifiers: ClinVar variation 3493463 (VCV003493463.2).

ClinVar aggregate classification (germline): Uncertain significance. Review status: criteria provided, multiple submitters, no conflicts (2 of 4 stars). 2 submissions from 2 submitters: Uncertain significance (2). Last evaluated 2025-08-30.

Conditions:
CLDN9-related disorder. Also called: CLDN9-related condition.

Submissions (2):

PreventionGenetics, part of Exact Sciences
Classification: Uncertain significance for CLDN9-related condition. Last evaluated: 2025-08-30. Review status: criteria provided, single submitter. Criteria: ACMG Guidelines, 2015. Collection method: clinical testing. Allele origin: germline.
Comment: The CLDN9 c.100G>A variant is predicted to result in the amino acid substitution p.Ala34Thr. To our knowledge, this variant has not been reported in the literature. This variant is reported in 0.00088% of alleles in individuals of European (Non-Finnish) descent in gnomAD. At this time, the clinical significance of this variant is uncertain due to the absence of conclusive functional and genetic evidence.

Ambry Genetics
Classification: Uncertain significance. Last evaluated: 2024-10-01. Review status: criteria provided, single submitter. Criteria: Ambry Variant Classification Scheme 2023. Collection method: clinical testing. Allele origin: germline.